The following is an entry in ClinVar:

NM_022765.4(MICAL1):c.2789C>T (p.Thr930Ile)

Gene: MICAL1 (microtubule associated monooxygenase, calponin and LIM domain containing 1; minus strand). Cytogenetic location: 6q21.
Variant type: single nucleotide variant.
Coding change: c.2789C>T on transcript NM_022765.4 (MANE Select); coding-DNA position 2789, C replaced by T.
Protein change: p.Thr930Ile; replaces threonine 930 with isoleucine.
Molecular consequence: missense variant.
Genome position (GRCh38, 1-based): chr6:109,445,289, G>A on the plus strand (C>T on the coding strand, the complement: MICAL1 is on the minus strand). VCF-style: chr6-109445289-G-A. GRCh37 (hg19) VCF-style: chr6-109766492-G-A.
Other names: c.2531C>T, p.Thr844Ile (NM_001159291.2); c.2846C>T, p.Thr949Ile (NM_001286613.2); short protein forms T930I, T949I, T844I.
Identifiers: ClinVar variation 2738395 (VCV002738395.3), dbSNP rs1775158771, ClinGen allele CA365221720.

ClinVar aggregate classification (germline): Uncertain significance (1 of 4 stars; one submission).

Allele frequency attached by ClinVar (database versions not stated): gnomAD exomes 0.00001; TOPMed below 0.00001; gnomAD 0.00001.
gnomAD v4.1: 4 of 1,613,976 alleles (0.00025%); highest among the groups gnomAD compares: Non-Finnish European, 0.00034%; no homozygotes.

Submission:

Labcorp Genetics (formerly Invitae), Labcorp
Classification: Uncertain significance. Last evaluated: 2026-01-26. Review status: criteria provided, single submitter. Criteria: Invitae Variant Classification Sherloc (09022015). Collection method: clinical testing. Allele origin: germline.
Comment: This sequence change replaces threonine, which is neutral and polar, with isoleucine, which is neutral and non-polar, at codon 949 of the MICAL1 protein (p.Thr949Ile). This variant is not present in population databases (gnomAD no frequency). This variant has not been reported in the literature in individuals affected with MICAL1-related conditions. ClinVar contains an entry for this variant (Variation ID: 2738395). An algorithm developed to predict the effect of missense changes on protein structure and function (PolyPhen-2) suggests that this variant is likely to be tolerated. In summary, the available evidence is currently insufficient to determine the role of this variant in disease. Therefore, it has been classified as a Variant of Uncertain Significance.